The following is an entry in ClinVar:

ClinVar aggregate classification (germline): Likely pathogenic. Review status: criteria provided, multiple submitters, no conflicts (2 of 4 stars). 2 submissions from 2 submitters: Likely pathogenic (2). Last evaluated 2023-11-10.
ClinVar aggregate classification (somatic clinical impact): Tier I - Strong (1 of 4 stars; one submission).

Conditions:
Intellectual disability, autosomal dominant 16 (CSS4). Also called: COFFIN-SIRIS SYNDROME 4. Identifiers: Orphanet 1465, MedGen C3553249, MONDO:0013821, OMIM 614609.
SMARCA4-related BAFopathy.
Medulloblastoma WNT activated. Identifiers: MedGen C4331965, MONDO:0850196.

Allele frequency attached by ClinVar (database versions not stated): gnomAD exomes below 0.00001; ExAC 0.00001.
gnomAD v4.1: 2 of 1,613,778 alleles (0.00012%); highest among the groups gnomAD compares: Non-Finnish European, 0.00017%; no homozygotes.

Submissions (3):

Daryl Scott Lab, Baylor College of Medicine
Classification: Likely pathogenic for Intellectual disability, autosomal dominant 16. Last evaluated: 2023-11-10. Review status: criteria provided, single submitter. Criteria: ACMG Guidelines, 2015. Collection method: clinical testing. Allele origin: de novo. Affected: yes.

Institute for Genomic Medicine (IGM) Clinical Laboratory, Nationwide Children's Hospital
Classification: Tier I - Strong for Medulloblastoma WNT activated. Assertion type: diagnostic. Clinical significance: supports diagnosis. Last evaluated: 2022-11-08. Review status: criteria provided, single submitter. Criteria: AMP/ASCO/CAP Guidelines, 2017. Collection method: clinical testing. Allele origin: somatic. Affected: yes.
Comment: Variant has Tier I (strong) clinical significance as a diagnostic inclusion criterion in medulloblastoma WNT activated, based on the following evidence: 1) Documented in one or more cancer databases (e.g., St. Jude Pecan, COSMIC, CIViC, OncoKB). 2) Appears in one or more well-established professional guidelines (e.g., World Health Organization [WHO]; National Comprehensive Cancer Network [NCCN]) as providing diagnostic, prognostic, or therapeutic information. 3) Diagnostic for a specific tumor type/classification based on well-powered studies with expert-level consensus (Evidence Level B).

Baylor Genetics
Classification: Likely pathogenic for SMARCA4-related BAFopathy. Last evaluated: 2021-06-10. Review status: criteria provided, single submitter. Criteria: ACMG Guidelines, 2015. Collection method: clinical testing. Allele origin: de novo. Affected: yes.

NM_003072.5(SMARCA4):c.2738C>T (p.Pro913Leu)

Gene: SMARCA4 (SWI/SNF related BAF chromatin remodeling complex subunit ATPase 4; plus strand). Cytogenetic location: 19p13.2.
Variant type: single nucleotide variant.
Coding change: c.2738C>T on transcript NM_003072.5 (MANE Select); coding-DNA position 2738, C replaced by T.
Protein change: p.Pro913Leu; replaces proline 913 with leucine.
Molecular consequence: missense variant. On other transcripts: non-coding transcript variant (1).
Genome position (GRCh38, 1-based): chr19:11,021,846, C>T. VCF-style: chr19-11021846-C-T. GRCh37 (hg19) VCF-style: chr19-11132522-C-T.
Other names: c.2738C>T, p.Pro913Leu (NM_001128844.3, NM_001128845.2, NM_001128846.2 and 5 more transcripts); c.2738C>T (NM_001128849.1); short protein forms P913L.
Identifiers: ClinVar variation 1177367 (VCV001177367.3), dbSNP rs778175819, ClinGen allele CA9204219.